The following is an entry in ClinVar:

NM_000136.3(FANCC):c.1241C>T (p.Ser414Leu)

Genes: AOPEP (aminopeptidase O (putative); plus strand), FANCC (FA complementation group C; minus strand). Cytogenetic location: 9q22.32.
Variant type: single nucleotide variant.
Coding change: c.1241C>T on transcript NM_000136.3 (MANE Select); coding-DNA position 1241, C replaced by T.
Protein change: p.Ser414Leu; replaces serine 414 with leucine.
Molecular consequence: missense variant.
Genome position (GRCh38, 1-based): chr9:95,111,551, G>A on the plus strand (C>T on the coding strand, the complement: FANCC is on the minus strand). VCF-style: chr9-95111551-G-A. GRCh37 (hg19) VCF-style: chr9-97873833-G-A.
Other names: c.1241C>T, p.Ser414Leu (NM_001243743.2, NM_001243744.2); short protein forms S414L.
Identifiers: ClinVar variation 652771 (VCV000652771.18), dbSNP rs200719554, ClinGen allele CA5137417.

ClinVar aggregate classification (germline): Conflicting classifications of pathogenicity. Review status: criteria provided, conflicting classifications (1 of 4 stars). 6 submissions from 6 submitters: Uncertain significance (4); Likely benign (1). 1 of the submissions does not count toward it. Last evaluated 2025-07-29.

Conditions:
Fanconi anemia complementation group C (FANCC). Also called: FANCC-Related Fanconi Anemia; FANCONI PANCYTOPENIA, TYPE 3; FACC; Fanconi anemia, group C. Identifiers: Orphanet 84, MedGen C3468041, MONDO:0009213, OMIM 227645.
Hereditary cancer-predisposing syndrome. Also called: Hereditary Cancer Syndrome; Hereditary neoplastic syndrome; Tumor predisposition; Neoplastic Syndromes, Hereditary. Identifiers: Orphanet 140162, MedGen C0027672, MeSH D009386, MONDO:0015356.
Fanconi anemia (FA). Also called: Fanconi's anemia. Identifiers: Orphanet 84, MedGen C0015625, MeSH D005199, MONDO:0019391.

Allele frequency attached by ClinVar (database versions not stated): gnomAD exomes 0.00002 and 0.00006; ExAC 0.00002; gnomAD 0.00005; TOPMed 0.00005.
gnomAD v4.1: 88 of 1,614,042 alleles (0.0055%); highest among the groups gnomAD compares: Middle Eastern, 0.016%; no homozygotes.

Submissions (6):

Ambry Genetics
Classification: Likely benign for Hereditary cancer-predisposing syndrome. Last evaluated: 2025-07-29. Review status: criteria provided, single submitter. Criteria: Ambry Variant Classification Scheme 2023. Collection method: clinical testing. Allele origin: germline.

Fulgent Genetics
Classification: Uncertain significance for Fanconi anemia complementation group C. Last evaluated: 2024-06-07. Review status: criteria provided, single submitter. Criteria: ACMG Guidelines, 2015. Collection method: clinical testing. Allele origin: germline.

Labcorp Genetics (formerly Invitae), Labcorp
Classification: Uncertain significance for Fanconi anemia. Last evaluated: 2024-05-14. Review status: criteria provided, single submitter. Criteria: Invitae Variant Classification Sherloc (09022015). Collection method: clinical testing. Allele origin: germline.
Comment: This sequence change replaces serine, which is neutral and polar, with leucine, which is neutral and non-polar, at codon 414 of the FANCC protein (p.Ser414Leu). This variant is present in population databases (rs200719554, gnomAD 0.003%). This variant has not been reported in the literature in individuals affected with FANCC-related conditions. ClinVar contains an entry for this variant (Variation ID: 652771). Advanced modeling of protein sequence and biophysical properties (such as structural, functional, and spatial information, amino acid conservation, physicochemical variation, residue mobility, and thermodynamic stability) performed at Invitae indicates that this missense variant is not expected to disrupt FANCC protein function with a negative predictive value of 80%. In summary, the available evidence is currently insufficient to determine the role of this variant in disease. Therefore, it has been classified as a Variant of Uncertain Significance.

GeneDx
Classification: Uncertain significance. Last evaluated: 2023-09-27. Review status: criteria provided, single submitter. Criteria: GeneDx Variant Classification Process June 2021. Collection method: clinical testing. Allele origin: germline.
Comment: Not observed at significant frequency in large population cohorts (gnomAD); In silico analysis supports that this missense variant has a deleterious effect on protein structure/function; Has not been previously published as pathogenic or benign to our knowledge; This variant is associated with the following publications: (PMID: Gordon2000[Book])

Quest Diagnostics Nichols Institute San Juan Capistrano
Classification: Uncertain significance. Last evaluated: 2022-09-07. Review status: criteria provided, single submitter. Criteria: Quest Diagnostics criteria. Collection method: clinical testing. Allele origin: unknown.
Comment: The frequency of this variant in the general population, 0.000026 (3/113722 chromosomes), is uninformative in assessment of its pathogenicity. In the published literature, the variant has been reported in a large breast cancer association study in individuals affected with breast cancer and in unaffected individuals (PMID: 33471991 (2021)). Analysis of this variant using bioinformatics tools for the prediction of the effect of amino acid changes on protein structure and function yielded predictions that this variant is benign. Based on the available information, we are unable to determine the clinical significance of this variant.

Natera, Inc.
Classification: Uncertain significance for Fanconi anemia, group C. Last evaluated: 2020-09-16. Review status: no assertion criteria provided. Collection method: clinical testing. Allele origin: germline. Not counted in ClinVar's aggregate classification.

Literature cited by the submitters: PubMed 33471991 (cited by Ambry Genetics and Quest Diagnostics Nichols Institute San Juan Capistrano).